The following is an entry in ClinVar:

NM_001903.5(CTNNA1):c.1277A>G (p.His426Arg)

Gene: CTNNA1 (catenin alpha 1; plus strand). Cytogenetic location: 5q31.2.
Variant type: single nucleotide variant.
Coding change: c.1277A>G on transcript NM_001903.5 (MANE Select); coding-DNA position 1277, A replaced by G.
Protein change: p.His426Arg; replaces histidine 426 with arginine.
Molecular consequence: missense variant. On other transcripts: 5 prime UTR variant (5), intron variant (2).
Genome position (GRCh38, 1-based): chr5:138,887,623, A>G. VCF-style: chr5-138887623-A-G. GRCh37 (hg19) VCF-style: chr5-138223312-A-G.
Other names: c.1277A>G, p.His426Arg (NM_001290307.3, NM_001323982.2, NM_001323983.1 and 3 more transcripts); c.968A>G, p.His323Arg (NM_001290309.3); c.908A>G, p.His303Arg (NM_001290310.3); c.167A>G, p.His56Arg (NM_001290312.1, NM_001323987.1, NM_001323988.1 and 18 more transcripts); c.-231A>G (NM_001324006.1, NM_001324007.1, NM_001324008.1 and 1 more transcripts); c.-106A>G (NM_001324013.1); c.-58+12026A>G (NM_001324012.1); c.-61+12026A>G (NM_001324010.1); short protein forms H303R, H323R, H426R, H56R.
Identifiers: ClinVar variation 1432432 (VCV001432432.8), dbSNP rs756567640, ClinGen allele CA3431890.

ClinVar aggregate classification (germline): Uncertain significance. Review status: criteria provided, multiple submitters, no conflicts (2 of 4 stars). 2 submissions from 2 submitters: Uncertain significance (2). Last evaluated 2022-09-26.

Conditions:
Hereditary cancer-predisposing syndrome. Also called: Hereditary Cancer Syndrome; Hereditary neoplastic syndrome; Neoplastic Syndromes, Hereditary; Tumor predisposition. Identifiers: Orphanet 140162, MedGen C0027672, MeSH D009386, MONDO:0015356.

Allele frequency attached by ClinVar (database versions not stated): gnomAD exomes below 0.00001; ExAC 0.00001.
gnomAD v4.1: 2 of 1,610,290 alleles (0.00012%); highest among the groups gnomAD compares: Non-Finnish European, 0.00017%; no homozygotes.

Submissions (2):

Ambry Genetics
Classification: Uncertain significance for Hereditary cancer-predisposing syndrome. Last evaluated: 2022-09-26. Review status: criteria provided, single submitter. Criteria: Ambry Variant Classification Scheme 2023. Collection method: clinical testing. Allele origin: germline.
Comment: The p.H426R variant (also known as c.1277A>G), located in coding exon 8 of the CTNNA1 gene, results from an A to G substitution at nucleotide position 1277. The histidine at codon 426 is replaced by arginine, an amino acid with highly similar properties. This amino acid position is conserved. In addition, this alteration is predicted to be deleterious by in silico analysis. Since supporting evidence is limited at this time, the clinical significance of this alteration remains unclear.

Labcorp Genetics (formerly Invitae), Labcorp
Classification: Uncertain significance. Last evaluated: 2022-02-08. Review status: criteria provided, single submitter. Criteria: Invitae Variant Classification Sherloc (09022015). Collection method: clinical testing. Allele origin: germline.
Comment: This sequence change replaces histidine, which is basic and polar, with arginine, which is basic and polar, at codon 426 of the CTNNA1 protein (p.His426Arg). This variant is present in population databases (rs756567640, gnomAD 0.0009%). In summary, the available evidence is currently insufficient to determine the role of this variant in disease. Therefore, it has been classified as a Variant of Uncertain Significance. Algorithms developed to predict the effect of missense changes on protein structure and function are either unavailable or do not agree on the potential impact of this missense change (SIFT: "Deleterious"; PolyPhen-2: "Probably Damaging"; Align-GVGD: "Class C0"). This variant has not been reported in the literature in individuals affected with CTNNA1-related conditions.